The following is an entry in ClinVar:

NM_198525.3(KIF7):c.393C>T (p.Ile131=)

Gene: KIF7 (kinesin family member 7; minus strand). Cytogenetic location: 15q26.1.
Variant type: single nucleotide variant.
Coding change: c.393C>T on transcript NM_198525.3 (MANE Select); coding-DNA position 393, C replaced by T.
Protein change: p.Ile131=; no amino-acid change (isoleucine 131 retained).
Molecular consequence: synonymous variant.
Genome position (GRCh38, 1-based): chr15:89,649,877, G>A on the plus strand (C>T on the coding strand, the complement: KIF7 is on the minus strand). VCF-style: chr15-89649877-G-A. GRCh37 (hg19) VCF-style: chr15-90193108-G-A.
Other names: c.393C>T (NM_198525.2).
Identifiers: ClinVar variation 1544865 (VCV001544865.11), dbSNP rs537169269, ClinGen allele CA7728639.

ClinVar aggregate classification (germline): Likely benign. Review status: criteria provided, multiple submitters, no conflicts (2 of 4 stars). 3 submissions from 3 submitters: Likely benign (2). 1 of the submissions does not count toward it. Last evaluated 2023-11-01.

Conditions:
KIF7-related disorder. Also called: KIF7-related condition.
Acrocallosal syndrome (ACLS). Also called: HALLUX DUPLICATION, POSTAXIAL POLYDACTYLY, AND ABSENCE OF CORPUS CALLOSUM; Schinzel syndrome 1; Absence of corpus callosum with unusual facial appearance, mental deficiency, duplication of the halluces and polydactyly. Identifiers: Orphanet 36, MedGen C0796147, MONDO:0008708, OMIM 200990.

Allele frequency attached by ClinVar (database versions not stated): ExAC 0.00005; 1000 Genomes Project 30x 0.00016; 1000 Genomes Project 0.00020.
gnomAD v4.1: 40 of 1,551,772 alleles (0.0026%); highest among the groups gnomAD compares: Admixed American, 0.0098%; no homozygotes.

Submissions (3):

Labcorp Genetics (formerly Invitae), Labcorp
Classification: Likely benign for Acrocallosal syndrome. Last evaluated: 2023-11-01. Review status: criteria provided, single submitter. Criteria: Invitae Variant Classification Sherloc (09022015). Collection method: clinical testing. Allele origin: germline.

Blueprint Genetics
Classification: Likely benign. Last evaluated: 2023-05-23. Review status: criteria provided, single submitter. Criteria: ACMG Guidelines, 2015. Collection method: clinical testing. Allele origin: germline.

PreventionGenetics, part of Exact Sciences
Classification: Likely benign for KIF7-related condition. Last evaluated: 2022-02-11. Review status: no assertion criteria provided. Collection method: clinical testing. Allele origin: germline. Not counted in ClinVar's aggregate classification.
Comment: This variant is classified as likely benign based on ACMG/AMP sequence variant interpretation guidelines (Richards et al. 2015 PMID: 25741868, with internal and published modifications).